The following is an entry in ClinVar:

ClinVar aggregate classification (germline): Pathogenic (1 of 4 stars; one submission).

Conditions:
Nemaline myopathy 2 (NEM2). Also called: Nemaline myopathy 2, autosomal recessive. Identifiers: MedGen C1850569, MONDO:0009725, OMIM 256030.

Submission:

Labcorp Genetics (formerly Invitae), Labcorp
Classification: Pathogenic for Nemaline myopathy 2. Last evaluated: 2022-01-17. Review status: criteria provided, single submitter. Criteria: Invitae Variant Classification Sherloc (09022015). Collection method: clinical testing. Allele origin: germline.
Comment: For these reasons, this variant has been classified as Pathogenic. This variant has not been reported in the literature in individuals affected with NEB-related conditions. This variant is not present in population databases (gnomAD no frequency). This sequence change creates a premature translational stop signal (p.Asp6635Glyfs*25) in the NEB gene. It is expected to result in an absent or disrupted protein product. Loss-of-function variants in NEB are known to be pathogenic (PMID: 25205138).

Literature cited by the submitters: PubMed 25205138.

NM_001164508.2(NEB):c.19904_19914del (p.Asp6635fs)

Gene: NEB (nebulin; minus strand). Cytogenetic location: 2q23.3.
Variant type: Deletion.
Coding change: c.19904_19914del on transcript NM_001164508.2 (MANE Select); coding-DNA positions 19904 to 19914, 11 bases deleted (ATCTGGACCGG).
Protein change: p.Asp6635fs; shifts the reading frame from aspartic acid 6635.
Molecular consequence: frameshift variant.
Genome position (GRCh38, 1-based): chr2:151,551,768-151,551,778, CCGGTCCAGAT deleted on the plus strand (ATCTGGACCGG on the coding strand, the reverse complement: NEB is on the minus strand); deleting any 11 consecutive bases within chr2:151,551,768-151,551,780 gives the same sequence; the c. name uses the placement nearest the transcript's 3' end. VCF-style (leftmost placement, unchanged base first): chr2-151551767-CCCGGTCCAGAT-C. GRCh37 (hg19) VCF-style: chr2-152408281-CCCGGTCCAGAT-C.
Other names: c.19904_19914del, p.Asp6635fs (NM_001271208.2, NM_001164507.2); c.14801_14811del, p.Asp4934fs (NM_004543.5); short protein forms D4934fs, D6635fs.
Identifiers: ClinVar variation 2087292 (VCV002087292.4), dbSNP rs2552183820, ClinGen allele CA2580063921.